The following is an entry in ClinVar:

ClinVar aggregate classification (germline): Benign (1 of 4 stars; one submission).

Allele frequency attached by ClinVar (database versions not stated): gnomAD exomes 0.19124; gnomAD 0.19175; TOPMed 0.19640; 1000 Genomes Project 30x 0.23392; 1000 Genomes Project 0.23782.
gnomAD v4.1: 99,156 of 524,656 alleles (19%); highest among the groups gnomAD compares: East Asian, 46%; 10,986 homozygotes.

Submission:

GeneDx
Classification: Benign. Last evaluated: 2018-06-19. Review status: criteria provided, single submitter. Criteria: GeneDx Variant Classification (06012015). Collection method: clinical testing. Allele origin: germline. Affected: yes.
Comment: This variant is considered likely benign or benign based on one or more of the following criteria: it is a conservative change, it occurs at a poorly conserved position in the protein, it is predicted to be benign by multiple in silico algorithms, and/or has population frequency not consistent with disease.

NM_000744.7(CHRNA4):c.229-294C>T

Gene: CHRNA4 (cholinergic receptor nicotinic alpha 4 subunit; minus strand). Cytogenetic location: 20q13.33.
Variant type: single nucleotide variant.
Coding change: c.229-294C>T on transcript NM_000744.7 (MANE Select); 294 bases into the intron before coding-DNA position 229, C replaced by T.
Molecular consequence: intron variant.
Genome position (GRCh38, 1-based): chr20:63,356,709, G>A on the plus strand (C>T on the coding strand, the complement: CHRNA4 is on the minus strand). VCF-style: chr20-63356709-G-A. GRCh37 (hg19) VCF-style: chr20-61988061-G-A.
Other names: c.-318-294C>T (NM_001256573.2).
Identifiers: ClinVar variation 668977 (VCV000668977.1), dbSNP rs2273504, ClinGen allele CA14781998.
Genomic context (GRCh38, chr20:63,356,709, plus strand): 5'-TGGAGAGGAGTCGGCGGCCTCACAGGCTTCCCCAGCTAAGGACAGGTGTGGCGGGCATGG[G>A]GAGCCTCCTTCTGCCCACCTGCCTTGCTCCCTCCCGGCCCTTGGGGGCAGCCCCTCTGCA-3'